The following is an entry in ClinVar:

ClinVar aggregate classification (germline): Likely benign. Review status: criteria provided, multiple submitters, no conflicts (2 of 4 stars). 2 submissions from 2 submitters: Likely benign (2). Last evaluated 2026-07-08.

Conditions:
Inborn genetic diseases. Identifiers: MedGen C0950123, MeSH D030342.

gnomAD v4.1: 1 of 1,610,198 alleles (0.000062%); highest among the groups gnomAD compares: Non-Finnish European, 0.000085%; no homozygotes.

Submissions (2):

Ambry Genetics
Classification: Likely benign for Inborn genetic diseases. Last evaluated: 2026-07-08. Review status: criteria provided, single submitter. Criteria: Ambry Variant Classification Scheme 2023. Collection method: clinical testing. Allele origin: germline.

CeGaT Center for Human Genetics Tuebingen
Classification: Likely benign. Last evaluated: 2024-10-01. Review status: criteria provided, single submitter. Criteria: CeGaT Center For Human Genetics Tuebingen Variant Classification Criteria Version 2. Collection method: clinical testing. Allele origin: germline. Affected: yes. Observed: 1 variant allele.
Comment: FANCM: BP4, BP7

NM_020937.4(FANCM):c.3849A>G (p.Arg1283=)

Gene: FANCM (FA complementation group M; plus strand). Cytogenetic location: 14q21.2.
Variant type: single nucleotide variant.
Coding change: c.3849A>G on transcript NM_020937.4 (MANE Select); coding-DNA position 3849, A replaced by G.
Protein change: p.Arg1283=; no amino-acid change (arginine 1283 retained).
Molecular consequence: synonymous variant.
Genome position (GRCh38, 1-based): chr14:45,176,603, A>G. VCF-style: chr14-45176603-A-G. GRCh37 (hg19) VCF-style: chr14-45645806-A-G.
Other names: c.3771A>G, p.Arg1257= (NM_001308133.2).
Identifiers: ClinVar variation 3390015 (VCV003390015.15).